The following is an entry in ClinVar:

ClinVar aggregate classification (germline): Pathogenic (1 of 4 stars; one submission).

Conditions:
X-linked severe combined immunodeficiency (SCIDX1). Also called: IMMUNODEFICIENCY 4; SCID, X-LINKED; SEVERE COMBINED IMMUNODEFICIENCY, X-LINKED, T CELL-NEGATIVE, B CELL-POSITIVE, NK CELL-NEGATIVE; T-B+ severe combined immunodeficiency due to gamma chain deficiency; X-Linked Combined Immunodeficiency Diseases. Identifiers: Orphanet 276, MedGen C6022468, MONDO:0010315, OMIM 300400. Disease mechanism: loss of function.

Submission:

Foundation for Research in Genetics and Endocrinology, FRIGE's Institute of Human Genetics
Classification: Pathogenic for X-linked severe combined immunodeficiency. Last evaluated: 2021-07-03. Review status: criteria provided, single submitter. Criteria: ACMG Guidelines, 2015. Collection method: clinical testing. Allele origin: germline. Inheritance: X-linked recessive inheritance. Affected: yes. Observed: 1 hemizygote.
Comment: A hemizygous single base pair deletion in exon 7 of the IL2RG gene that results in a frameshift and premature truncation of the protein 58 amino acid downstream to codon 308 was detected. The observed variant c.922del (p.Ser308ArgfsTer58) has not been reported in the 1000 genomes and gnomAD databases. The in silico prediction of the variant is damaging by MutationTaster2. The reference codon is conserved across mammals. In summary, the variant meets our criteria to be classified as pathogenic.

NM_000206.3(IL2RG):c.922del (p.Ser308fs)

Gene: IL2RG (interleukin 2 receptor subunit gamma; minus strand). Cytogenetic location: Xq13.1.
Variant type: Deletion.
Coding change: c.922del on transcript NM_000206.3 (MANE Select); coding-DNA position 922, one base deleted (T; older notation c.922delT).
Protein change: p.Ser308fs; shifts the reading frame from serine 308.
Molecular consequence: frameshift variant.
Genome position (GRCh38, 1-based): chrX:71,108,279, A deleted on the plus strand (T on the coding strand, the reverse complement: IL2RG is on the minus strand); the first of 4 consecutive A bases (chrX:71,108,279-71,108,282); deleting any one gives the same sequence. VCF-style (leftmost placement, unchanged base first): chrX-71108278-GA-G. GRCh37 (hg19) VCF-style: chrX-70328128-GA-G.
Other names: p.Ser308ArgfsTer58; short protein forms S308fs.
Identifiers: ClinVar variation 1251965 (VCV001251965.3), dbSNP rs2147746685, ClinGen allele CA2499226820.